The following is an entry in ClinVar:

ClinVar aggregate classification (germline): Uncertain significance (1 of 4 stars; one submission).

Conditions:
Immunodeficiency 18 (IMD18). Also called: CD3-EPSILON DEFICIENCY; CD3epsilon deficiency. Identifiers: MedGen C3810127, MONDO:0014278, OMIM 615615.

Allele frequency attached by ClinVar (database versions not stated): gnomAD 0.00001; ExAC 0.00002; gnomAD exomes 0.00002 and 0.00003; TOPMed 0.00002.
gnomAD v4.1: 49 of 1,613,798 alleles (0.003%); highest among the groups gnomAD compares: Non-Finnish European, 0.004%; no homozygotes.

Submission:

Labcorp Genetics (formerly Invitae), Labcorp
Classification: Uncertain significance for Immunodeficiency 18. Last evaluated: 2021-10-20. Review status: criteria provided, single submitter. Criteria: Invitae Variant Classification Sherloc (09022015). Collection method: clinical testing. Allele origin: germline.
Comment: This sequence change replaces valine with alanine at codon 183 of the CD3E protein (p.Val183Ala). The valine residue is highly conserved and there is a small physicochemical difference between valine and alanine. This variant is present in population databases (rs148290036, ExAC 0.003%). This variant has not been reported in the literature in individuals affected with CD3E-related conditions. Algorithms developed to predict the effect of missense changes on protein structure and function (SIFT, PolyPhen-2, Align-GVGD) all suggest that this variant is likely to be disruptive. In summary, the available evidence is currently insufficient to determine the role of this variant in disease. Therefore, it has been classified as a Variant of Uncertain Significance.

NM_000733.4(CD3E):c.548T>C (p.Val183Ala)

Gene: CD3E (CD3 epsilon subunit of T-cell receptor complex; plus strand). Cytogenetic location: 11q23.3.
Variant type: single nucleotide variant.
Coding change: c.548T>C on transcript NM_000733.4 (MANE Select); coding-DNA position 548, T replaced by C.
Protein change: p.Val183Ala; replaces valine 183 with alanine.
Molecular consequence: missense variant.
Genome position (GRCh38, 1-based): chr11:118,314,475, T>C. VCF-style: chr11-118314475-T-C. GRCh37 (hg19) VCF-style: chr11-118185190-T-C.
Other names: short protein forms V183A.
Identifiers: ClinVar variation 1378748 (VCV001378748.3), dbSNP rs148290036, ClinGen allele CA6301775.